The following is an entry in ClinVar:

ClinVar aggregate classification (germline): Uncertain significance (1 of 4 stars; one submission).

Conditions:
Autosomal dominant nonsyndromic hearing loss 65. Also called: Deafness, autosomal dominant 65; TBC1D24-Related Autosomal Dominant Nonsyndromic Hearing Loss (DFNA). Identifiers: Orphanet 90635, MedGen C3892048, MONDO:0014470, OMIM 616044.
Developmental and epileptic encephalopathy, 1 (DEE1). Also called: INFANTILE SPASM SYNDROME, X-LINKED 1; X-linked infantile spasms; West's syndrome; Tonic spasms with clustering, arrest of psychomotor development and hypsarrhythmia on EEG; X-Linked Infantile Spasm Syndrome; OHTAHARA SYNDROME, X-LINKED. Identifiers: MedGen C3463992, MONDO:0010632, OMIM 308350. Disease mechanism: loss of function.

Submission:

Labcorp Genetics (formerly Invitae), Labcorp
Classification: Uncertain significance for Developmental and epileptic encephalopathy, 1; Autosomal dominant nonsyndromic hearing loss 65. Last evaluated: 2022-12-18. Review status: criteria provided, single submitter. Criteria: Invitae Variant Classification Sherloc (09022015). Collection method: clinical testing. Allele origin: germline.
Comment: Advanced modeling of protein sequence and biophysical properties (such as structural, functional, and spatial information, amino acid conservation, physicochemical variation, residue mobility, and thermodynamic stability) performed at Invitae indicates that this missense variant is not expected to disrupt TBC1D24 protein function. This variant has not been reported in the literature in individuals affected with TBC1D24-related conditions. This variant is not present in population databases (gnomAD no frequency). This sequence change replaces serine, which is neutral and polar, with glycine, which is neutral and non-polar, at codon 264 of the TBC1D24 protein (p.Ser264Gly). In summary, the available evidence is currently insufficient to determine the role of this variant in disease. Therefore, it has been classified as a Variant of Uncertain Significance.

NM_001199107.2(TBC1D24):c.790A>G (p.Ser264Gly)

Gene: TBC1D24 (TBC1 domain family member 24; plus strand). Cytogenetic location: 16p13.3.
Variant type: single nucleotide variant.
Coding change: c.790A>G on transcript NM_001199107.2 (MANE Select); coding-DNA position 790, A replaced by G.
Protein change: p.Ser264Gly; replaces serine 264 with glycine.
Molecular consequence: missense variant.
Genome position (GRCh38, 1-based): chr16:2,496,938, A>G. VCF-style: chr16-2496938-A-G. GRCh37 (hg19) VCF-style: chr16-2546939-A-G.
Other names: c.790A>G, p.Ser264Gly (NM_020705.3); short protein forms S264G.
Identifiers: ClinVar variation 2942454 (VCV002942454.3), dbSNP rs2505516162, ClinGen allele CA394377334.
Genomic context (GRCh38, chr16:2,496,938, plus strand): 5'-GCGCTGGCCATCCTCAAGTTCTTCCACAAGGTGAGGGCCGGGCAGCCGCTGGAGTCGGAC[A>G]GCGTGAAGCAGGACATCCGCACGTTCGTCAGAGACATCGCGAAGACGGTGTCCCCTGAGA-3'
Protein context (NP_001186036.1, residues 254-274): VRAGQPLESD[Ser264Gly]VKQDIRTFVR